The following is an entry in ClinVar:

ClinVar aggregate classification (germline): Uncertain significance (1 of 4 stars; one submission).

Allele frequency attached by ClinVar (database versions not stated): gnomAD exomes below 0.00001.
gnomAD v4.1: 1 of 1,613,644 alleles (0.000062%); highest among the groups gnomAD compares: Non-Finnish European, 0.000085%; no homozygotes.

Submission:

Labcorp Genetics (formerly Invitae), Labcorp
Classification: Uncertain significance. Last evaluated: 2023-01-01. Review status: criteria provided, single submitter. Criteria: Invitae Variant Classification Sherloc (09022015). Collection method: clinical testing. Allele origin: germline.
Comment: This sequence change replaces leucine, which is neutral and non-polar, with phenylalanine, which is neutral and non-polar, at codon 386 of the MYO6 protein (p.Leu386Phe). This variant is not present in population databases (gnomAD no frequency). This variant has not been reported in the literature in individuals affected with MYO6-related conditions. Advanced modeling of protein sequence and biophysical properties (such as structural, functional, and spatial information, amino acid conservation, physicochemical variation, residue mobility, and thermodynamic stability) performed at Invitae indicates that this missense variant is not expected to disrupt MYO6 protein function. In summary, the available evidence is currently insufficient to determine the role of this variant in disease. Therefore, it has been classified as a Variant of Uncertain Significance.

NM_004999.4(MYO6):c.1156C>T (p.Leu386Phe)

Gene: MYO6 (myosin VI; plus strand). Cytogenetic location: 6q14.1.
Variant type: single nucleotide variant.
Coding change: c.1156C>T on transcript NM_004999.4 (MANE Select); coding-DNA position 1156, C replaced by T.
Protein change: p.Leu386Phe; replaces leucine 386 with phenylalanine.
Molecular consequence: missense variant. On other transcripts: non-coding transcript variant (1).
Genome position (GRCh38, 1-based): chr6:75,855,216, C>T. VCF-style: chr6-75855216-C-T. GRCh37 (hg19) VCF-style: chr6-76564933-C-T.
Other names: c.1156C>T, p.Leu386Phe (NM_001300899.2, NM_001368136.1, NM_001368137.1 and 2 more transcripts); c.1141C>T, p.Leu381Phe (NM_001368138.1); short protein forms L386F, L381F.
Identifiers: ClinVar variation 2786009 (VCV002786009.3), dbSNP rs2535246284, ClinGen allele CA364757282.